The following is an entry in ClinVar:

ClinVar aggregate classification (germline): Uncertain significance (1 of 4 stars; one submission).

Conditions:
Joubert syndrome. Also called: CEREBELLOPARENCHYMAL DISORDER IV; JOUBERT-BOLTSHAUSER SYNDROME; Familial aplasia of the vermis. Identifiers: Orphanet 475, MedGen C5979921, MONDO:0018772.
Orofaciodigital syndrome I (OFD1). Also called: OFDS I; Papillon-Leage and Psaume Syndrome; Oral-Facial-Digital Syndrome Type I. Identifiers: Orphanet 2750, MedGen C1510460, MONDO:0010702, OMIM 311200.

gnomAD v4.1: 2 of 1,210,093 alleles (0.00017%); highest among the groups gnomAD compares: Admixed American, 0.0044%; no homozygotes.

Submission:

Labcorp Genetics (formerly Invitae), Labcorp
Classification: Uncertain significance for Orofaciodigital syndrome I; Joubert syndrome. Last evaluated: 2024-09-03. Review status: criteria provided, single submitter. Criteria: Invitae Variant Classification Sherloc (09022015). Collection method: clinical testing. Allele origin: germline.
Comment: This sequence change replaces alanine, which is neutral and non-polar, with aspartic acid, which is acidic and polar, at codon 492 of the OFD1 protein (p.Ala492Asp). This variant is present in population databases (no rsID available, gnomAD 0.008%). This variant has not been reported in the literature in individuals affected with OFD1-related conditions. Invitae Evidence Modeling of protein sequence and biophysical properties (such as structural, functional, and spatial information, amino acid conservation, physicochemical variation, residue mobility, and thermodynamic stability) has been performed for this missense variant. However, the output from this modeling did not meet the statistical confidence thresholds required to predict the impact of this variant on OFD1 protein function. In summary, the available evidence is currently insufficient to determine the role of this variant in disease. Therefore, it has been classified as a Variant of Uncertain Significance.

NM_003611.3(OFD1):c.1475C>A (p.Ala492Asp)

Gene: OFD1 (OFD1 centriole and centriolar satellite protein; plus strand). Cytogenetic location: Xp22.2.
Variant type: single nucleotide variant.
Coding change: c.1475C>A on transcript NM_003611.3 (MANE Select); coding-DNA position 1475, C replaced by A.
Protein change: p.Ala492Asp; replaces alanine 492 with aspartic acid.
Molecular consequence: missense variant.
Genome position (GRCh38, 1-based): chrX:13,757,723, C>A. VCF-style: chrX-13757723-C-A. GRCh37 (hg19) VCF-style: chrX-13775842-C-A.
Other names: c.1355C>A, p.Ala452Asp (NM_001330209.2); c.1055C>A, p.Ala352Asp (NM_001330210.2); short protein forms A352D, A452D, A492D.
Identifiers: ClinVar variation 3762142 (VCV003762142.2).